The following is an entry in ClinVar:

NM_001164508.2(NEB):c.7867G>A (p.Asp2623Asn)

Gene: NEB (nebulin; minus strand). Cytogenetic location: 2q23.3.
Variant type: single nucleotide variant.
Coding change: c.7867G>A on transcript NM_001164508.2 (MANE Select); coding-DNA position 7867, G replaced by A.
Protein change: p.Asp2623Asn; replaces aspartic acid 2623 with asparagine.
Molecular consequence: missense variant.
Genome position (GRCh38, 1-based): chr2:151,643,907, C>T on the plus strand (G>A on the coding strand, the complement: NEB is on the minus strand). VCF-style: chr2-151643907-C-T. GRCh37 (hg19) VCF-style: chr2-152500421-C-T.
Other names: c.7867G>A, p.Asp2623Asn (NM_001164507.2, NM_001271208.2, NM_004543.5); short protein forms D2623N.
Identifiers: ClinVar variation 853095 (VCV000853095.10), dbSNP rs543795912, ClinGen allele CA1909742.

ClinVar aggregate classification (germline): Uncertain significance (1 of 4 stars; one submission).

Conditions:
Nemaline myopathy 2 (NEM2). Also called: Nemaline myopathy 2, autosomal recessive. Identifiers: MedGen C1850569, MONDO:0009725, OMIM 256030.

Allele frequency attached by ClinVar (database versions not stated): gnomAD exomes below 0.00001; ExAC 0.00001; gnomAD 0.00001; 1000 Genomes Project 30x 0.00016; 1000 Genomes Project 0.00020.
gnomAD v4.1: 2 of 1,613,940 alleles (0.00012%); highest among the groups gnomAD compares: Admixed American, 0.0017%; no homozygotes.

Submission:

Labcorp Genetics (formerly Invitae), Labcorp
Classification: Uncertain significance for Nemaline myopathy 2. Last evaluated: 2023-12-07. Review status: criteria provided, single submitter. Criteria: Invitae Variant Classification Sherloc (09022015). Collection method: clinical testing. Allele origin: germline.
Comment: This sequence change replaces aspartic acid, which is acidic and polar, with asparagine, which is neutral and polar, at codon 2623 of the NEB protein (p.Asp2623Asn). This variant is present in population databases (rs543795912, gnomAD 0.003%). This variant has not been reported in the literature in individuals affected with NEB-related conditions. ClinVar contains an entry for this variant (Variation ID: 853095). Experimental studies and prediction algorithms are not available or were not evaluated, and the functional significance of this variant is currently unknown. In summary, the available evidence is currently insufficient to determine the role of this variant in disease. Therefore, it has been classified as a Variant of Uncertain Significance.